The following is an entry in ClinVar:

NM_017654.4(SAMD9):c.2558dup (p.Ile854fs)

Gene: SAMD9 (sterile alpha motif domain containing 9; minus strand). Cytogenetic location: 7q21.2.
Variant type: Duplication.
Coding change: c.2558dup on transcript NM_017654.4 (MANE Select); coding-DNA position 2558, one base duplicated (T; older notation c.2558dupT).
Protein change: p.Ile854fs; shifts the reading frame from isoleucine 854.
Molecular consequence: frameshift variant.
Genome position (GRCh38, 1-based): chr7:93,103,540, A duplicated on the plus strand (T on the coding strand, the reverse complement: SAMD9 is on the minus strand). VCF-style (leftmost placement, unchanged base first): chr7-93103539-T-TA. GRCh37 (hg19) VCF-style: chr7-92732852-T-TA.
Other names: c.2558dup, p.Ile854fs (NM_001193307.2); short protein forms I854fs.
Identifiers: ClinVar variation 3723818 (VCV003723818.2).

ClinVar aggregate classification (germline): Uncertain significance (1 of 4 stars; one submission).

Submission:

Labcorp Genetics (formerly Invitae), Labcorp
Classification: Uncertain significance. Last evaluated: 2024-10-26. Review status: criteria provided, single submitter. Criteria: Invitae Variant Classification Sherloc (09022015). Collection method: clinical testing. Allele origin: germline.
Comment: This sequence change creates a premature translational stop signal (p.Ile854Asnfs*13) in the SAMD9 gene. While this is not anticipated to result in nonsense mediated decay, it is expected to disrupt the last 736 amino acid(s) of the SAMD9 protein. This variant is not present in population databases (gnomAD no frequency). This variant has not been reported in the literature in individuals affected with SAMD9-related conditions. In summary, the available evidence is currently insufficient to determine the role of this variant in disease. Therefore, it has been classified as a Variant of Uncertain Significance.